The following is an entry in ClinVar:

NM_001282874.2(SMARCA1):c.1852C>T (p.Arg618Cys)

Gene: SMARCA1 (SNF2 related chromatin remodeling ATPase 1; minus strand). Cytogenetic location: Xq25.
Variant type: single nucleotide variant.
Coding change: c.1852C>T on transcript NM_001282874.2 (MANE Select); coding-DNA position 1852, C replaced by T.
Protein change: p.Arg618Cys; replaces arginine 618 with cysteine.
Molecular consequence: missense variant.
Genome position (GRCh38, 1-based): chrX:129,490,156, G>A on the plus strand (C>T on the coding strand, the complement: SMARCA1 is on the minus strand). VCF-style: chrX-129490156-G-A. GRCh37 (hg19) VCF-style: chrX-128624133-G-A.
Other names: c.1816C>T, p.Arg606Cys (NM_001282875.2, NM_001378262.1, NM_001378263.1 and 1 more transcripts); c.1852C>T, p.Arg618Cys (NM_001378261.1, NM_003069.5); short protein forms R606C, R618C.
Identifiers: ClinVar variation 4864728 (VCV004864728.1).
Genomic context (GRCh38, chrX:129,490,156, plus strand): 5'-TCTCAGCTCTTTCTACAATCCTCTCTTCAACAGTGTTGTCAGTGATGAGACGGAATACAC[G>A]TACTGGTTTCTTCTGACCAATACGATGTGCTCGATCCTAGTAGAAAGAGTTCTAATGTAA-3'
Protein context (NP_001269803.1, residues 608-628): AHRIGQKKPV[Arg618Cys]VFRLITDNTV

ClinVar aggregate classification (germline): Uncertain significance (1 of 4 stars; one submission).

gnomAD v4.1: 5 of 1,190,375 alleles (0.00042%); highest among the groups gnomAD compares: South Asian, 0.0036%; no homozygotes.

Submission:

Ambry Genetics
Classification: Uncertain significance. Last evaluated: 2026-04-11. Review status: criteria provided, single submitter. Criteria: Ambry Variant Classification Scheme 2023. Collection method: clinical testing. Allele origin: germline.
Comment: The c.1852C>T (p.R618C) alteration is located in exon 15 (coding exon 15) of the SMARCA1 gene. This alteration results from a C to T substitution at nucleotide position 1852, causing the arginine (R) at amino acid position 618 to be replaced by a cysteine (C). Based on data from gnomAD, the T allele has an overall frequency of 0.001% (2/180267) total alleles studied. The highest observed frequency was 0.006% (1/18203) of South Asian alleles. Based on insufficient or conflicting evidence, the clinical significance of this alteration remains unclear.